The following is an entry in ClinVar:

NM_001754.5(RUNX1):c.772G>A (p.Ala258Thr)

Gene: RUNX1 (RUNX family transcription factor 1; minus strand). Cytogenetic location: 21q22.12.
Variant type: single nucleotide variant.
Coding change: c.772G>A on transcript NM_001754.5 (MANE Select); coding-DNA position 772, G replaced by A.
Protein change: p.Ala258Thr; replaces alanine 258 with threonine.
Molecular consequence: missense variant.
Genome position (GRCh38, 1-based): chr21:34,834,443, C>T on the plus strand (G>A on the coding strand, the complement: RUNX1 is on the minus strand). VCF-style: chr21-34834443-C-T. GRCh37 (hg19) VCF-style: chr21-36206740-C-T.
Other names: NM_001754.5(RUNX1):c.772G>A; p.Ala258Thr; c.691G>A, p.Ala231Thr (NM_001001890.3, NM_001122607.2); short protein forms A258T, A231T.
Identifiers: ClinVar variation 2822749 (VCV002822749.4), dbSNP rs2146074844, ClinGen allele CA410206722.

ClinVar aggregate classification (germline): Uncertain significance. Review status: reviewed by expert panel (3 of 4 stars). 2 submissions from 2 submitters: Uncertain significance (1). 1 of the submissions does not count toward it. Last evaluated 2025-01-15.

Conditions:
Hereditary thrombocytopenia and hematological cancer predisposition syndrome associated with RUNX1. Also called: Familial Platelet Disorder with Propensity to Acute Myelogenous Leukemia; Familial thrombocytopenia with propensity to acute myelogenous leukemia; PLATELET DISORDER, ASPIRIN-LIKE; RUNX1 Familial Platelet Disorder with Associated Myeloid Malignancies. Identifiers: Orphanet 71290, MedGen C1832388, MeSH C563324, MONDO:0100083, OMIM 601399.
Hereditary thrombocytopenia and hematologic cancer predisposition syndrome. Identifiers: Orphanet 71290, MedGen CN281654, MONDO:0011071.

Submissions (2):

ClinGen Myeloid Malignancy Variant Curation Expert Panel
Classification: Uncertain significance for Hereditary thrombocytopenia and hematologic cancer predisposition syndrome. Last evaluated: 2025-01-15. Review status: reviewed by expert panel. Criteria: ClinGen MyeloMalig ACMG Specifications v2. Collection method: curation. Allele origin: germline. Inheritance: Autosomal dominant inheritance.
Comment: NM_001754.5(RUNX1):c.772G>A (p.Ala258Thr) is a missense variant which has a REVEL score < 0.50 (0.298), and a SpliceAI score ≤ 0.20 (0.02) (BP4). This variant is completely absent from all population databases with at least 20x coverage for RUNX1 (PM2_Supporting). In summary, the clinical significance of this variant is uncertain. ACMG/AMP criteria applied, as specified by the Myeloid Malignancy Variant Curation Expert Panel for RUNX1: BP4, PM2_Supporting.

Labcorp Genetics (formerly Invitae), Labcorp
Classification: Uncertain significance for Hereditary thrombocytopenia and hematological cancer predisposition syndrome associated with RUNX1. Last evaluated: 2022-12-20. Review status: criteria provided, single submitter. Criteria: Invitae Variant Classification Sherloc (09022015). Collection method: clinical testing. Allele origin: germline. Not counted in ClinVar's aggregate classification.
Comment: This sequence change replaces alanine, which is neutral and non-polar, with threonine, which is neutral and polar, at codon 258 of the RUNX1 protein (p.Ala258Thr). This variant is not present in population databases (gnomAD no frequency). In summary, the available evidence is currently insufficient to determine the role of this variant in disease. Therefore, it has been classified as a Variant of Uncertain Significance. Advanced modeling of protein sequence and biophysical properties (such as structural, functional, and spatial information, amino acid conservation, physicochemical variation, residue mobility, and thermodynamic stability) performed at Invitae indicates that this missense variant is not expected to disrupt RUNX1 protein function. This variant has not been reported in the literature in individuals affected with RUNX1-related conditions.